The following is an entry in ClinVar:

NM_014476.6(PDLIM3):c.854C>A (p.Ser285Ter)

Gene: PDLIM3 (PDZ and LIM domain 3; minus strand). Cytogenetic location: 4q35.1.
Variant type: single nucleotide variant.
Coding change: c.854C>A on transcript NM_014476.6 (MANE Select); coding-DNA position 854, C replaced by A.
Protein change: p.Ser285Ter; replaces serine 285 with a stop codon.
Molecular consequence: nonsense. On other transcripts: non-coding transcript variant (1).
Genome position (GRCh38, 1-based): chr4:185,504,526, G>T on the plus strand (C>A on the coding strand, the complement: PDLIM3 is on the minus strand). VCF-style: chr4-185504526-G-T. GRCh37 (hg19) VCF-style: chr4-186425680-G-T.
Other names: c.710C>A, p.Ser237Ter (NM_001114107.5); c.590C>A, p.Ser197Ter (NM_001257962.2); c.353C>A, p.Ser118Ter (NM_001257963.2); short protein forms S118*, S197*, S237*, S285*.
Identifiers: ClinVar variation 3750703 (VCV003750703.2).

ClinVar aggregate classification (germline): Uncertain significance (1 of 4 stars; one submission).

Conditions:
Primary dilated cardiomyopathy (DCM). Also called: Dilated Cardiomyopathy. Identifiers: Orphanet 217604, MedGen C0007193, MeSH D002311, MONDO:0005021, HP:0001644. Inheritance: Various modes of inheritance.
Hypertrophic cardiomyopathy. Also called: HYPERTROPHIC MYOCARDIOPATHY. Identifiers: Orphanet 217569, MedGen C0007194, MeSH D002312, MONDO:0005045, HP:0001639.

gnomAD v4.1: 4 of 1,614,154 alleles (0.00025%); highest among the groups gnomAD compares: South Asian, 0.0044%; no homozygotes.

Submission:

Labcorp Genetics (formerly Invitae), Labcorp
Classification: Uncertain significance for Hypertrophic cardiomyopathy; Primary dilated cardiomyopathy. Last evaluated: 2025-09-05. Review status: criteria provided, single submitter. Criteria: Invitae Variant Classification Sherloc (09022015). Collection method: clinical testing. Allele origin: germline.
Comment: This sequence change creates a premature translational stop signal (p.Ser285*) in the PDLIM3 gene. It is expected to result in an absent or disrupted protein product. However, the current clinical and genetic evidence is not sufficient to establish whether loss-of-function variants in PDLIM3 cause disease. This variant is not present in population databases (gnomAD no frequency). This variant has not been reported in the literature in individuals affected with PDLIM3-related conditions. ClinVar contains an entry for this variant (Variation ID: 3750703). In summary, the available evidence is currently insufficient to determine the role of this variant in disease. Therefore, it has been classified as a Variant of Uncertain Significance.